The following is an entry in ClinVar:

ClinVar aggregate classification (germline): Uncertain significance (1 of 4 stars; one submission).

Submission:

Labcorp Genetics (formerly Invitae), Labcorp
Classification: Uncertain significance. Last evaluated: 2024-05-07. Review status: criteria provided, single submitter. Criteria: Invitae Variant Classification Sherloc (09022015). Collection method: clinical testing. Allele origin: germline.
Comment: This sequence change replaces valine, which is neutral and non-polar, with phenylalanine, which is neutral and non-polar, at codon 955 of the NSD1 protein (p.Val955Phe). This variant is not present in population databases (gnomAD no frequency). This variant has not been reported in the literature in individuals affected with NSD1-related conditions. Advanced modeling of protein sequence and biophysical properties (such as structural, functional, and spatial information, amino acid conservation, physicochemical variation, residue mobility, and thermodynamic stability) performed at Invitae indicates that this missense variant is not expected to disrupt NSD1 protein function with a negative predictive value of 95%. In summary, the available evidence is currently insufficient to determine the role of this variant in disease. Therefore, it has been classified as a Variant of Uncertain Significance.

NM_022455.5(NSD1):c.2863G>T (p.Val955Phe)

Gene: NSD1 (nuclear receptor binding SET domain protein 1; plus strand). Cytogenetic location: 5q35.3.
Variant type: single nucleotide variant.
Coding change: c.2863G>T on transcript NM_022455.5 (MANE Select); coding-DNA position 2863, G replaced by T.
Protein change: p.Val955Phe; replaces valine 955 with phenylalanine.
Molecular consequence: missense variant.
Genome position (GRCh38, 1-based): chr5:177,211,262, G>T. VCF-style: chr5-177211262-G-T. GRCh37 (hg19) VCF-style: chr5-176638263-G-T.
Other names: c.1990G>T, p.Val664Phe (NM_001365684.2, NM_001409306.1, NM_001409307.1 and 3 more transcripts); c.2863G>T, p.Val955Phe (NM_001409301.1, NM_001409302.1, NM_001409303.1); c.2443G>T, p.Val815Phe (NM_001409304.1); c.2110G>T, p.Val704Phe (NM_001409305.1); short protein forms V815F, V955F, V664F, V704F.
Identifiers: ClinVar variation 3681756 (VCV003681756.2).